The following is an entry in ClinVar:

ClinVar aggregate classification (germline): Benign (1 of 4 stars; one submission).

Conditions:
ERAL1-related disorder. Also called: ERAL1-related condition.

gnomAD v4.1: 681 of 1,614,146 alleles (0.042%); highest among the groups gnomAD compares: South Asian, 0.73%; 9 homozygotes.

Submission:

PreventionGenetics, part of Exact Sciences
Classification: Benign for ERAL1-related condition. Last evaluated: 2025-09-03. Review status: criteria provided, single submitter. Criteria: ACMG Guidelines, 2015. Collection method: clinical testing. Allele origin: germline.
Comment: This variant is classified as benign based on ACMG/AMP sequence variant interpretation guidelines (Richards et al. 2015 PMID: 25741868, with internal and published modifications).

NM_005702.4(ERAL1):c.947T>C (p.Val316Ala)

Genes: ERAL1 (Era like 12S mitochondrial rRNA chaperone 1; plus strand), LOC126862526 (BRD4-independent group 4 enhancer GRCh37_chr17:27185111-27186310; plus strand). Cytogenetic location: 17q11.2.
Variant type: single nucleotide variant.
Coding change: c.947T>C on transcript NM_005702.4 (MANE Select); coding-DNA position 947, T replaced by C.
Protein change: p.Val316Ala; replaces valine 316 with alanine.
Molecular consequence: missense variant. On other transcripts: intron variant (1).
Genome position (GRCh38, 1-based): chr17:28,858,811, T>C. VCF-style: chr17-28858811-T-C. GRCh37 (hg19) VCF-style: chr17-27185829-T-C.
Other names: c.944T>C, p.Val315Ala (NM_001317985.2); c.712-153T>C (NM_001317986.2); short protein forms V316A, V315A.
Identifiers: ClinVar variation 4988337 (VCV004988337.1).
Genomic context (GRCh38, chr17:28,858,811, plus strand): 5'-GGATTGGCTGGCCCCACTTCAAGGAGATCTTCATGTTGTCAGCCCTAAGCCAGGAGGACG[T>C]GAAAACACTAAAGGTCAGTTAGTCTTGGCCATAGCCTGGCCCTTGGTTTCTACCATATGA-3'
Protein context (NP_005693.1, residues 306-326): FMLSALSQED[Val316Ala]KTLKQYLLTQ